The following is an entry in ClinVar:

NM_005629.4(SLC6A8):c.808G>A (p.Val270Met)

Gene: SLC6A8 (solute carrier family 6 member 8; plus strand). Cytogenetic location: Xq28.
Variant type: single nucleotide variant.
Coding change: c.808G>A on transcript NM_005629.4 (MANE Select); coding-DNA position 808, G replaced by A.
Protein change: p.Val270Met; replaces valine 270 with methionine.
Molecular consequence: missense variant.
Genome position (GRCh38, 1-based): chrX:153,693,071, G>A. VCF-style: chrX-153693071-G-A. GRCh37 (hg19) VCF-style: chrX-152958526-G-A.
Other names: NM_001142805.2:c.808G>A; c.808G>A, p.Val270Met (NM_001142805.2); c.463G>A, p.Val155Met (NM_001142806.1); short protein forms V155M, V270M.
Identifiers: ClinVar variation 3256145 (VCV003256145.1).

ClinVar aggregate classification (germline): Uncertain significance (3 of 4 stars; one submission).

Conditions:
Creatine transporter deficiency (CCDS1). Also called: CEREBRAL CREATINE DEFICIENCY SYNDROME 1; Mental retardation , X-linked with seizures, short stature and midface hypoplasia; Mental retardation , X-linked, with creatine transport deficiency; X-linked creatine transporter deficiency; X-linked creatine deficiency syndrome; SLC6A8-Related Creatine Transporter Deficiency. Identifiers: Orphanet 52503, MedGen C1845862, MONDO:0010305, OMIM 300352.

Submission:

ClinGen Cerebral Creatine Deficiency Syndromes Variant Curation Expert Panel, ClinGen
Classification: Uncertain significance for Creatine transporter deficiency. Last evaluated: 2024-04-11. Review status: reviewed by expert panel. Criteria: ClinGen_CCDS_ACMG_Specifications_SLC6A8_v1.1. Collection method: curation. Allele origin: germline. Inheritance: X-linked inheritance.
Comment: The NM_005629.4:c.808G>A variant in SLC6A8 is a missense variant predicted to cause substitution of a valine for a methionine at amino acid position 270 (p.Val270Met). This variant has been reported in a heterozygous (carrier) female individual in the Exome Variant Server database without further phenotypic information provided (PMID: 25861866); thus, neither BS2 nor PP4 apply. This variant was reported to not alter transporter activity (100% vs wild-type) but experiment did not use physiological creatine concentrations (≤125μM creatine) so BS3 is not met (PMID: 25861866). This variant is absent from gnomAD v2.1.1 (PM2_Supporting). The computational predictor REVEL gives a score of 0.78 which is above the threshold of 0.75, evidence that correlates with impact to SLC6A8 function (PP3). There is a ClinVar entry for this variant (Variation ID: 11704, zero-star review status), with one submitter classifying this variant as pathogenic. In summary, this variant meets criteria to be classified as a variant of uncertain significance for creatine transporter deficiency. SLC6A8-specific criteria applied, as specified by the ClinGen CCDS VCEP (Specifications Version 1.1.0): PM2_Supporting, PP3. (Classification approved by the ClinGen CCDS VCEP on April 11, 2024)